The following is an entry in ClinVar:

NM_000036.3(AMPD1):c.-15A>G

Gene: AMPD1 (adenosine monophosphate deaminase 1; minus strand). Cytogenetic location: 1p13.2.
Variant type: single nucleotide variant.
Coding change: c.-15A>G on transcript NM_000036.3 (MANE Select); 15 bases upstream of the start codon, A replaced by G.
Molecular consequence: 5 prime UTR variant.
Genome position (GRCh38, 1-based): chr1:114,695,486, T>C on the plus strand (A>G on the coding strand, the complement: AMPD1 is on the minus strand). VCF-style: chr1-114695486-T-C. GRCh37 (hg19) VCF-style: chr1-115238107-T-C.
Other names: c.85A>G (NM_000036.2); c.-15A>G (NM_001172626.2).
Identifiers: ClinVar variation 1989580 (VCV001989580.5), dbSNP rs377308009, ClinGen allele CA1020648.
Genomic context (GRCh38, chr1:114,695,486, plus strand): 5'-TCTCCAAACACTTTGTACACCTACCTGGGAGTTTGAACAGAGGCATTGTTGCTGAAATCC[T>C]TGATTCTAGGATAGCACAGTAGAAAAGAAGAGAGAGGAGACTGTGGGGTGACTGACTGAC-3'

ClinVar aggregate classification (germline): Conflicting classifications of pathogenicity. Review status: criteria provided, conflicting classifications (1 of 4 stars). 2 submissions from 2 submitters: Uncertain significance (1); Likely benign (1). Last evaluated 2025-05-13.

Conditions:
Inborn genetic diseases. Identifiers: MedGen C0950123, MeSH D030342.
Muscle AMP deaminase deficiency (MMDD). Also called: ADENOSINE MONOPHOSPHATE DEAMINASE-1 DEFICIENCY, MYOPATHY DUE TO; Myoadenylate deaminase deficiency, myopathy due to; Adenosine monophosphate deaminase 1 deficiency; AMP deaminase 1 deficiency; Adenosine Monophosphate Deaminase 1; AMPD1 DEFICIENCY. Identifiers: Orphanet 45, MedGen C3714933, MONDO:0014220, OMIM 615511.

Allele frequency attached by ClinVar (database versions not stated): gnomAD exomes below 0.00001; ExAC 0.00001; gnomAD 0.00003; TOPMed 0.00003; ESP Exome Variant Server 0.00008.
gnomAD v4.1: 7 of 1,613,736 alleles (0.00043%); highest among the groups gnomAD compares: African/African-American, 0.008%; no homozygotes.

Submissions (2):

Ambry Genetics
Classification: Likely benign for Inborn genetic diseases. Last evaluated: 2025-05-13. Review status: criteria provided, single submitter. Criteria: Ambry Variant Classification Scheme 2023. Collection method: clinical testing. Allele origin: germline.

Labcorp Genetics (formerly Invitae), Labcorp
Classification: Uncertain significance for Muscle AMP deaminase deficiency. Last evaluated: 2022-04-06. Review status: criteria provided, single submitter. Criteria: Invitae Variant Classification Sherloc (09022015). Collection method: clinical testing. Allele origin: germline.
Comment: This variant has not been reported in the literature in individuals affected with AMPD1-related conditions. In summary, the available evidence is currently insufficient to determine the role of this variant in disease. Therefore, it has been classified as a Variant of Uncertain Significance. Algorithms developed to predict the effect of missense changes on protein structure and function output the following: SIFT: "Tolerated"; PolyPhen-2: "Benign"; Align-GVGD: "Class C0". The glycine amino acid residue is found in multiple mammalian species, which suggests that this missense change does not adversely affect protein function. This variant is present in population databases (rs377308009, gnomAD 0.007%). This sequence change replaces arginine, which is basic and polar, with glycine, which is neutral and non-polar, at codon 29 of the AMPD1 protein (p.Arg29Gly).